The following is an entry in ClinVar:

ClinVar aggregate classification (germline): Uncertain significance (1 of 4 stars; one submission).

Conditions:
Early-infantile DEE. Also called: Early infantile epileptic encephalopathy; Ohtahara syndrome; Early infantile epileptic encephalopathy with suppression bursts. Identifiers: Orphanet 1934, MedGen C0393706, MONDO:0800491.

gnomAD v4.1: 2 of 1,349,494 alleles (0.00015%); highest among the groups gnomAD compares: South Asian, 0.0015%; no homozygotes.

Submission:

Labcorp Genetics (formerly Invitae), Labcorp
Classification: Uncertain significance for Early-infantile DEE. Last evaluated: 2024-12-16. Review status: criteria provided, single submitter. Criteria: Invitae Variant Classification Sherloc (09022015). Collection method: clinical testing. Allele origin: germline.
Comment: This sequence change replaces aspartic acid, which is acidic and polar, with asparagine, which is neutral and polar, at codon 16 of the HCN1 protein (p.Asp16Asn). The frequency data for this variant in the population databases is considered unreliable, as metrics indicate poor data quality at this position in the gnomAD database. This variant has not been reported in the literature in individuals affected with HCN1-related conditions. ClinVar contains an entry for this variant (Variation ID: 657230). Invitae Evidence Modeling of protein sequence and biophysical properties (such as structural, functional, and spatial information, amino acid conservation, physicochemical variation, residue mobility, and thermodynamic stability) indicates that this missense variant is not expected to disrupt HCN1 protein function with a negative predictive value of 95%. In summary, the available evidence is currently insufficient to determine the role of this variant in disease. Therefore, it has been classified as a Variant of Uncertain Significance.

NM_021072.4(HCN1):c.46G>A (p.Asp16Asn)

Gene: HCN1 (hyperpolarization activated cyclic nucleotide gated potassium channel 1; minus strand). Cytogenetic location: 5p12.
Variant type: single nucleotide variant.
Coding change: c.46G>A on transcript NM_021072.4 (MANE Select); coding-DNA position 46, G replaced by A.
Protein change: p.Asp16Asn; replaces aspartic acid 16 with asparagine.
Molecular consequence: missense variant.
Genome position (GRCh38, 1-based): chr5:45,696,048, C>T on the plus strand (G>A on the coding strand, the complement: HCN1 is on the minus strand). VCF-style: chr5-45696048-C-T. GRCh37 (hg19) VCF-style: chr5-45696150-C-T.
Other names: short protein forms D16N.
Identifiers: ClinVar variation 657230 (VCV000657230.9), dbSNP rs1283834151, ClinGen allele CA359706861.